The following is an entry in ClinVar:

ClinVar aggregate classification (germline): Pathogenic. Review status: criteria provided, multiple submitters, no conflicts (2 of 4 stars). 10 submissions from 9 submitters: Pathogenic (9). 1 of the submissions does not count toward it. Last evaluated 2026-02-23.

Conditions:
Classic or attenuated familial adenomatous polyposis. Identifiers: MedGen CN372698, MONDO:0021057.
Colorectal cancer. Also called: Malignant Colorectal Neoplasm; Colorectal cancer, somatic. Identifiers: MedGen C0346629, MONDO:0005575, OMIM 114500.
Hereditary cancer-predisposing syndrome. Also called: Tumor predisposition; Neoplastic Syndromes, Hereditary; Hereditary Cancer Syndrome; Hereditary neoplastic syndrome. Identifiers: Orphanet 140162, MedGen C0027672, MeSH D009386, MONDO:0015356.
Familial adenomatous polyposis 1 (FAP1). Also called: FAMILIAL ADENOMATOUS POLYPOSIS 1, ATTENUATED; POLYPOSIS, ADENOMATOUS INTESTINAL. Identifiers: MedGen C2713442, MONDO:0021056, OMIM 175100. Disease mechanism: loss of function.
Familial multiple polyposis syndrome (FAP). Also called: Classic familial adenomatous polyposis; Familial polyposis; Familial adenomatous polyposis; Familial Adenomatous Polyposis (FAP); Familial intestinal polyposis. Identifiers: Orphanet 733, MedGen C0032580, MONDO:0021055. Disease mechanism: loss of function.

Submissions (10):

Women's Health and Genetics/Laboratory Corporation of America, LabCorp
Classification: Pathogenic for Familial multiple polyposis syndrome. Last evaluated: 2026-02-23. Review status: criteria provided, single submitter. Criteria: LabCorp Variant Classification Summary - May 2015. Collection method: clinical testing. Allele origin: germline.
Comment: Variant summary: APC c.5490_5493delTGAA (p.Asn1830LysfsX32) results in a premature termination codon in the last exon predicted to cause a truncation of the encoded protein; however, nonsense mediated decay is not expected to occur. The variant was absent in 250734 control chromosomes. c.5490_5493delTGAA has been observed in individuals affected with Familial Adenomatous Polyposis and in individuals with colon polyps (example: Kerr_2013, Susswein_2016, Pena-Lopez_2024, Feldman_2025). To our knowledge, no experimental evidence demonstrating an impact on protein function has been reported. At least one downstream variant has been internally classified as pathogenic (c.7932_7935delTTAT/p.Tyr2645Lysfs*14), providing evidence that the region altered by the variant is critical to protein function. The following publications have been ascertained in the context of this evaluation (PMID: 39932215, 23159591, 38254803, 26681312). ClinVar contains an entry for this variant (Variation ID: 181835). Based on the evidence outlined above, the variant was classified as pathogenic.

Quest Diagnostics Nichols Institute San Juan Capistrano
Classification: Pathogenic. Last evaluated: 2025-04-07. Review status: criteria provided, single submitter. Criteria: Quest Diagnostics criteria. Collection method: clinical testing. Allele origin: unknown.
Comment: The APC c.5490_5493del (p.Asn1830Lysfs*32) variant alters the translational reading frame of the APC mRNA and causes the premature termination of APC protein synthesis. This variant has been reported in the published literature in individuals with familial adenomatous polyposis (PMID: 23159591 (2013)), and colon polyps (PMID: 26681312 (2015)). This variant has not been reported in large, multi-ethnic general populations (Genome Aggregation Database). Based on the available information, this variant is classified as pathogenic.

Ambry Genetics
Classification: Pathogenic for Hereditary cancer-predisposing syndrome. Last evaluated: 2023-11-20. Review status: criteria provided, single submitter. Criteria: Ambry Variant Classification Scheme 2023. Collection method: clinical testing. Allele origin: germline.
Comment: The c.5490_5493delTGAA pathogenic mutation, located in coding exon 15 of the APC gene, results from a deletion of 4 nucleotides at nucleotide positions 5490 to 5493, causing a translational frameshift with a predicted alternate stop codon (p.N1830Kfs*32). This alteration occurs at the 3' terminus of theAPC gene and is not expected to trigger nonsense-mediated mRNA decay. However, premature stop codons are typically deleterious in nature and a significant portion of the protein is affected (Ambry internal data). This mutation has been identified in 1/1591 patients undergoing clinical testing for familial adenomatous polyposis (FAP) (Kerr SE et al. J Mol Diagn 2013 Jan;15:31-43). It was also reported in an individual with colon polyps who was one of 10,030 consecutive patients referred for evaluation by an NGS hereditary cancer panel (Susswein LR et al. Genet. Med. 2016 Aug;18:823-32). Based on the supporting evidence, this alteration is interpreted as a disease-causing mutation.

Labcorp Genetics (formerly Invitae), Labcorp
Classification: Pathogenic for Familial adenomatous polyposis 1. Last evaluated: 2023-10-08. Review status: criteria provided, single submitter. Criteria: Invitae Variant Classification Sherloc (09022015). Collection method: clinical testing. Allele origin: germline.
Comment: This sequence change creates a premature translational stop signal (p.Asn1830Lysfs*32) in the APC gene. While this is not anticipated to result in nonsense mediated decay, it is expected to disrupt the last 1014 amino acid(s) of the APC protein. This variant is not present in population databases (gnomAD no frequency). This premature translational stop signal has been observed in individuals with familial adenomatous polyposis (FAP) (PMID: 8940264, 11247896, 20434453, 23159591). ClinVar contains an entry for this variant (Variation ID: 181835). This variant is expected to disrupt the EB1 and HDLG binding sites, which mediate interactions with the cytoskeleton (PMID: 15311282, 17293347). While functional studies have not been performed to directly test the effect on APC protein function, this suggests that disruption of the C-terminal portion of the protein is functionally important. A different truncation (p.Tyr2645Lysfs*14) that lies downstream of this variant has been determined to be pathogenic (PMID: 9824584, 1316610, 27081525, 8381579, 22135120, Invitae). This suggests that deletion of this region of the APC protein is causative of disease. For these reasons, this variant has been classified as Pathogenic.

All of Us Research Program, National Institutes of Health
Classification: Pathogenic for Classic or attenuated familial adenomatous polyposis. Last evaluated: 2023-07-19. Review status: criteria provided, single submitter. Criteria: ACMG Guidelines, 2015. Collection method: clinical testing. Allele origin: germline. Inheritance: Autosomal dominant inheritance. Observed: 1 variant allele, 1 heterozygote.
Comment: This variant deletes 4 nucleotides in exon 16 of the APC gene, creating a frameshift and premature translation stop signal. This variant is expected to result in an absent or non-functional protein product. Splice site prediction tools suggest that this variant may not impact RNA splicing. To our knowledge, functional studies have not been performed for this variant. This variant has been reported in 1 individual affected with familial adenomatous polyposis (FAP) (PMID: 23159591) and 1 individual with colon polyps (PMID: 26681312). This variant has not been identified in the general population by the Genome Aggregation Database (gnomAD). Loss of APC function is a known mechanism of disease. Based on the available evidence, this variant is classified as Pathogenic.

This study involves interpretation of variants in research participants for the purpose of population health screening. Participant phenotype was not available at the time of variant classification. Additional details can be found in publication PMID: 35346344, PMCID: PMC8962531

Color Diagnostics, LLC DBA Color Health
Classification: Pathogenic for Hereditary cancer-predisposing syndrome. Last evaluated: 2023-05-24. Review status: criteria provided, single submitter. Criteria: ACMG Guidelines, 2015. Collection method: clinical testing. Allele origin: germline.
Comment: This variant deletes 4 nucleotides in exon 16 of the APC gene, creating a frameshift and premature translation stop signal. This variant is expected to result in an absent or non-functional protein product. Splice site prediction tools suggest that this variant may not impact RNA splicing. To our knowledge, functional studies have not been performed for this variant. This variant has been reported in one individual affected with familial adenomatous polyposis (PMID: 23159591) and one individual with colon polyps (PMID: 26681312). This variant has not been identified in the general population by the Genome Aggregation Database (gnomAD). Loss of APC function is a known mechanism of disease. Based on the available evidence, this variant is classified as Pathogenic.

Myriad Genetics, Inc.
Classification: Pathogenic for Familial adenomatous polyposis 1. Last evaluated: 2023-05-12. Review status: criteria provided, single submitter. Criteria: Myriad Autosomal Dominant, Autosomal Recessive and X-Linked Classification Criteria (2023). Collection method: clinical testing. Allele origin: unknown.
Comment: This variant is considered pathogenic. This variant creates a frameshift predicted to result in premature protein truncation.

GeneDx
Classification: Pathogenic. Last evaluated: 2023-04-25. Review status: criteria provided, single submitter. Criteria: GeneDx Variant Classification Process June 2021. Collection method: clinical testing. Allele origin: germline. Affected: yes.
Comment: Frameshift variant predicted to result in protein truncation or nonsense mediated decay in a gene for which loss of function is a known mechanism of disease; Not observed at significant frequency in large population cohorts (gnomAD); This variant is associated with the following publications: (PMID: 1316610, 20434453, 11247896, 27081525, 22135120, 9824584, 17293347, 8381579, 28569743, 8940264, 15311282, 23159591, 26681312)

Institute of Human Genetics, University of Leipzig Medical Center
Classification: Pathogenic for Colorectal cancer. Last evaluated: 2019-01-01. Review status: criteria provided, single submitter. Criteria: ACMG Guidelines, 2015. Collection method: clinical testing. Allele origin: unknown. Affected: yes.

Labcorp Genetics (formerly Invitae), Labcorp
Classification: Pathogenic for Familial adenomatous polyposis 1. Last evaluated: 2016-02-04. Review status: flagged submission. Criteria: Invitae Variant Classification Sherloc (09022015). Collection method: clinical testing. Allele origin: germline. Not counted in ClinVar's aggregate classification.
Comment: This sequence change deletes 4 nucleotides from exon 16 of the APC mRNA (c.5490_5493delTGAA), causing a frameshift at codon 1830. This creates a premature translational stop signal in the last exon of the APC mRNA (p.Asn1830Lysfs*32). While this is not anticipated to result in nonsense mediated decay, it is expected to create a truncated APC protein by eliminating ~1000 amino acid residues (~36%) from the full length protein. Truncating variants in APC are known to be pathogenic. This particular truncation has been reported in the literature in an individual affected with familial adenomatous polyposis (FAP) (PMID: 23159591). In addition, numerous pathogenic truncating variants have been reported downstream of this c.5490_5493delTGAA variant (PMID: 8940264, 11247896, 20434453). For these reasons, this variant has been classified as Pathogenic.
ClinVar note: Reason: This record appears to be redundant with a more recent record from the same submitter.
ClinVar note: Notes: SCV000282780 appears to be redundant with SCV002243694.

Literature cited by the submitters: PubMed 23159591 (cited by 6 submitters); PubMed 26681312 (cited by 5 submitters); PubMed 39932215 (cited by Women's Health and Genetics/Laboratory Corporation of America, LabCorp); PubMed 38254803 (cited by Women's Health and Genetics/Laboratory Corporation of America, LabCorp); PubMed 8940264 (cited by Labcorp Genetics (formerly Invitae), Labcorp); PubMed 11247896 (cited by Labcorp Genetics (formerly Invitae), Labcorp); PubMed 20434453 (cited by Labcorp Genetics (formerly Invitae), Labcorp); PubMed 15311282 (cited by Labcorp Genetics (formerly Invitae), Labcorp); PubMed 17293347 (cited by Labcorp Genetics (formerly Invitae), Labcorp); PubMed 9824584 (cited by Labcorp Genetics (formerly Invitae), Labcorp); PubMed 1316610 (cited by Labcorp Genetics (formerly Invitae), Labcorp); PubMed 27081525 (cited by Labcorp Genetics (formerly Invitae), Labcorp); PubMed 8381579 (cited by Labcorp Genetics (formerly Invitae), Labcorp); PubMed 22135120 (cited by Labcorp Genetics (formerly Invitae), Labcorp).

NM_000038.6(APC):c.5490_5493del (p.Asn1830fs)

Gene: APC (APC regulator of Wnt signaling pathway; plus strand). Cytogenetic location: 5q22.2.
Variant type: Deletion.
Coding change: c.5490_5493del on transcript NM_000038.6 (MANE Select); coding-DNA positions 5490 to 5493, 4 bases deleted (TGAA; older notation c.5490_5493delTGAA).
Protein change: p.Asn1830fs; shifts the reading frame from asparagine 1830.
Molecular consequence: frameshift variant.
Genome position (GRCh38, 1-based): chr5:112,841,084-112,841,087, TGAA deleted; deleting any 4 consecutive bases within chr5:112,841,082-112,841,087 gives the same sequence; the c. name uses the placement nearest the transcript's 3' end. VCF-style (leftmost placement, unchanged base first): chr5-112841081-TAATG-T. GRCh37 (hg19) VCF-style: chr5-112176778-TAATG-T.
Other names: c.5490_5493del (NM_000038.5); c.5490_5493del, p.Asn1830fs (NM_001127510.3, NM_001354895.2); c.5436_5439del, p.Asn1812fs (NM_001127511.3); c.5544_5547del, p.Asn1848fs (NM_001354896.2); c.5520_5523del, p.Asn1840fs (NM_001354897.2); c.5415_5418del, p.Asn1805fs (NM_001354898.2); c.5406_5409del, p.Asn1802fs (NM_001354899.2); c.5367_5370del, p.Asn1789fs (NM_001354900.2); and 7 more; short protein forms N1739fs, N1805fs, N1848fs, N1789fs, N1812fs, N1547fs, N1704fs, N1670fs.
Identifiers: ClinVar variation 181835 (VCV000181835.22), dbSNP rs730881273, ClinGen allele CA010446.